The following is an entry in ClinVar:

NM_015631.6(TCTN3):c.1163G>C (p.Gly388Ala)

Gene: TCTN3 (tectonic family member 3; minus strand). Cytogenetic location: 10q24.1.
Variant type: single nucleotide variant.
Coding change: c.1163G>C on transcript NM_015631.6 (MANE Select); coding-DNA position 1163, G replaced by C.
Protein change: p.Gly388Ala; replaces glycine 388 with alanine.
Molecular consequence: missense variant.
Genome position (GRCh38, 1-based): chr10:95,683,562, C>G on the plus strand (G>C on the coding strand, the complement: TCTN3 is on the minus strand). VCF-style: chr10-95683562-C-G. GRCh37 (hg19) VCF-style: chr10-97443319-C-G.
Other names: c.1217G>C, p.Gly406Ala (NM_001013840.1); c.719G>C, p.Gly240Ala (NM_001143973.2); c.1082G>C, p.Gly361Ala (NM_001410982.1); c.1163G>C (NM_015631.5); short protein forms G388A, G361A, G406A, G240A.
Identifiers: ClinVar variation 2022633 (VCV002022633.2), dbSNP rs546369579, ClinGen allele CA5620935.

ClinVar aggregate classification (germline): Uncertain significance. Review status: criteria provided, multiple submitters, no conflicts (2 of 4 stars). 2 submissions from 2 submitters: Uncertain significance (2). Last evaluated 2025-05-01.

Conditions:
Joubert syndrome 18 (JBTS18). Identifiers: Orphanet 2754, MedGen C3553758, MONDO:0013896, OMIM 614815.
Orofacial-digital syndrome IV (OFD4). Also called: BARAITSER-BURN SYNDROME; OFD SYNDROME WITH TIBIAL DEFECTS; OFD SYNDROME, BARAITSER-BURN TYPE; OFDS IV; ORAL-FACIAL-DIGITAL SYNDROME, TYPE IV; Orofaciodigital syndrome IV. Identifiers: Orphanet 2753, MedGen C0406727, MONDO:0009794, OMIM 258860.
Inborn genetic diseases. Identifiers: MedGen C0950123, MeSH D030342.

Allele frequency attached by ClinVar (database versions not stated): ExAC 0.00002; 1000 Genomes Project 0.00020; 1000 Genomes Project 30x 0.00031.
gnomAD v4.1: 10 of 1,614,110 alleles (0.00062%); highest among the groups gnomAD compares: Admixed American, 0.0083%; no homozygotes.

Submissions (2):

Ambry Genetics
Classification: Uncertain significance for Inborn genetic diseases. Last evaluated: 2025-05-01. Review status: criteria provided, single submitter. Criteria: Ambry Variant Classification Scheme 2023. Collection method: clinical testing. Allele origin: germline.

Labcorp Genetics (formerly Invitae), Labcorp
Classification: Uncertain significance for Joubert syndrome 18; Orofacial-digital syndrome IV. Last evaluated: 2022-05-18. Review status: criteria provided, single submitter. Criteria: Invitae Variant Classification Sherloc (09022015). Collection method: clinical testing. Allele origin: germline.
Comment: This sequence change replaces glycine, which is neutral and non-polar, with alanine, which is neutral and non-polar, at codon 388 of the TCTN3 protein (p.Gly388Ala). This variant is present in population databases (rs546369579, gnomAD 0.009%). This variant has not been reported in the literature in individuals affected with TCTN3-related conditions. Algorithms developed to predict the effect of missense changes on protein structure and function (SIFT, PolyPhen-2, Align-GVGD) all suggest that this variant is likely to be disruptive. In summary, the available evidence is currently insufficient to determine the role of this variant in disease. Therefore, it has been classified as a Variant of Uncertain Significance.